The following is an entry in ClinVar:

NM_005989.4(AKR1D1):c.379-4dup

Gene: AKR1D1 (aldo-keto reductase family 1 member D1; plus strand). Cytogenetic location: 7q33.
Variant type: Duplication.
Coding change: c.379-4dup on transcript NM_005989.4 (MANE Select); 4 bases into the intron before coding-DNA position 379, one base duplicated (T; older notation c.379-4dupT).
Molecular consequence: intron variant.
Genome position (GRCh38, 1-based): chr7:138,097,862, T duplicated; the last of 15 consecutive T bases (chr7:138,097,848-138,097,862); duplicating any one gives the same sequence. VCF-style (leftmost placement, unchanged base first): chr7-138097847-C-CT. GRCh37 (hg19) VCF-style: chr7-137782593-C-CT.
Other names: c.379-4dup (NM_001190907.2, NM_001190906.2).
Identifiers: ClinVar variation 3054291 (VCV003054291.2), dbSNP rs35402657, ClinGen allele CA4502677.

ClinVar aggregate classification (germline): Likely benign (0 of 4 stars; one submission).

Conditions:
AKR1D1-related disorder. Also called: AKR1D1-related condition.

Submission:

PreventionGenetics, part of Exact Sciences
Classification: Likely benign for AKR1D1-related condition. Last evaluated: 2021-06-23. Review status: no assertion criteria provided. Collection method: clinical testing. Allele origin: germline.
Comment: This variant is classified as likely benign based on ACMG/AMP sequence variant interpretation guidelines (Richards et al. 2015 PMID: 25741868, with internal and published modifications).